The following is an entry in ClinVar:

ClinVar aggregate classification (germline): Uncertain significance. Review status: criteria provided, multiple submitters, no conflicts (2 of 4 stars). 2 submissions from 2 submitters: Uncertain significance (2). Last evaluated 2023-09-11.

Conditions:
Neurodevelopmental disorder with coarse facies and mild distal skeletal abnormalities. Also called: STOLERMAN NEURODEVELOPMENTAL SYNDROME. Identifiers: MedGen C5193134, MONDO:0032790, OMIM 618505.
KDM6B-related disorder. Also called: KDM6B-related condition.

Allele frequency attached by ClinVar (database versions not stated): gnomAD 0.00001; 1000 Genomes Project 30x 0.00016; 1000 Genomes Project 0.00020.
gnomAD v4.1: 4 of 1,578,576 alleles (0.00025%); highest among the groups gnomAD compares: African/African-American, 0.0014%; no homozygotes.

Submissions (2):

PreventionGenetics, part of Exact Sciences
Classification: Uncertain significance for KDM6B-related condition. Last evaluated: 2023-09-11. Review status: criteria provided, single submitter. Criteria: ACMG Guidelines, 2015. Collection method: clinical testing. Allele origin: germline.
Comment: The KDM6B c.3046C>T variant is predicted to result in the amino acid substitution p.Arg1016Trp. To our knowledge, this variant has not been reported in the literature or in a large population database, indicating this variant is rare. At this time, the clinical significance of this variant is uncertain due to the absence of conclusive functional and genetic evidence.

Baylor Genetics
Classification: Uncertain significance for Neurodevelopmental disorder with coarse facies and mild distal skeletal abnormalities. Last evaluated: 2020-08-21. Review status: criteria provided, single submitter. Criteria: ACMG Guidelines, 2015. Collection method: clinical testing. Allele origin: unknown. Affected: yes.
Comment: This variant was determined to be of uncertain significance according to ACMG Guidelines, 2015 [PMID:25741868].

NM_001348716.2(KDM6B):c.3046C>T (p.Arg1016Trp)

Gene: KDM6B (lysine demethylase 6B; plus strand). Cytogenetic location: 17p13.1.
Variant type: single nucleotide variant.
Coding change: c.3046C>T on transcript NM_001348716.2 (MANE Select); coding-DNA position 3046, C replaced by T.
Protein change: p.Arg1016Trp; replaces arginine 1016 with tryptophan.
Molecular consequence: missense variant.
Genome position (GRCh38, 1-based): chr17:7,849,334, C>T. VCF-style: chr17-7849334-C-T. GRCh37 (hg19) VCF-style: chr17-7752652-C-T.
Other names: c.3046C>T, p.Arg1016Trp (NM_001080424.2); short protein forms R1016W.
Identifiers: ClinVar variation 1030088 (VCV001030088.2), dbSNP rs561619300, ClinGen allele CA287517002.